The following is an entry in ClinVar:

ClinVar aggregate classification (germline): Uncertain significance (1 of 4 stars; one submission).

Conditions:
Charcot-Marie-Tooth disease type 4. Also called: Charcot-Marie-Tooth, Type 4; Charcot-Marie-Tooth disease, type IV. Identifiers: Orphanet 64749, MedGen C4082197, MONDO:0018995.

Submission:

Labcorp Genetics (formerly Invitae), Labcorp
Classification: Uncertain significance for Charcot-Marie-Tooth disease type 4. Last evaluated: 2021-08-25. Review status: criteria provided, single submitter. Criteria: Invitae Variant Classification Sherloc (09022015). Collection method: clinical testing. Allele origin: germline.
Comment: This sequence change replaces asparagine with aspartic acid at codon 183 of the FGD4 protein (p.Asn183Asp). The asparagine residue is moderately conserved and there is a small physicochemical difference between asparagine and aspartic acid. This variant is not present in population databases (ExAC no frequency). This variant has not been reported in the literature in individuals affected with FGD4-related conditions. Algorithms developed to predict the effect of missense changes on protein structure and function output the following: SIFT: "Tolerated"; PolyPhen-2: "Benign"; Align-GVGD: "Class C0". The aspartic acid amino acid residue is found in multiple mammalian species, which suggests that this missense change does not adversely affect protein function. In summary, the available evidence is currently insufficient to determine the role of this variant in disease. Therefore, it has been classified as a Variant of Uncertain Significance.

NM_001370298.3(FGD4):c.958A>G (p.Asn320Asp)

Gene: FGD4 (FYVE, RhoGEF and PH domain containing 4; plus strand). Cytogenetic location: 12p11.21.
Variant type: single nucleotide variant.
Coding change: c.958A>G on transcript NM_001370298.3 (MANE Select); coding-DNA position 958, A replaced by G.
Protein change: p.Asn320Asp; replaces asparagine 320 with aspartic acid.
Molecular consequence: missense variant. On other transcripts: 5 prime UTR variant (2), non-coding transcript variant (1), intron variant (1).
Genome position (GRCh38, 1-based): chr12:32,582,414, A>G. VCF-style: chr12-32582414-A-G. GRCh37 (hg19) VCF-style: chr12-32735348-A-G.
Other names: c.802A>G, p.Asn268Asp (NM_001304481.2); c.-298A>G (NM_001304483.2); c.-605A>G (NM_001304484.2); c.268A>G, p.Asn90Asp (NM_001330373.2, NM_001330374.2, NM_001384130.1); c.958A>G, p.Asn320Asp (NM_001384126.1); c.547A>G, p.Asn183Asp (NM_001384127.1, NM_001384128.1, NM_001384131.1 and 3 more transcripts); c.49-16083A>G (NM_001370297.1); short protein forms N90D, N183D, N268D, N320D.
Identifiers: ClinVar variation 938113 (VCV000938113.7), dbSNP rs1946688403, ClinGen allele CA384356488.
Genomic context (GRCh38, chr12:32,582,414, plus strand): 5'-CCAGTGCTCCCCCTAGAAGAAAGAGGGGCAGAAACAGAAACCAAGGTACAAGAGAGGGAA[A>G]ATGGGGAAAGCCCTCTGGAACTGGAGCAGCTGGACCAGCACCATGAGATGAAGGTAGAGC-3'
Protein context (NP_001357227.2, residues 310-330): ETETKVQERE[Asn320Asp]GESPLELEQL